The following is an entry in ClinVar:

NM_006073.4(TRDN):c.1531C>A (p.Pro511Thr)

Gene: TRDN (triadin; minus strand). Cytogenetic location: 6q22.31.
Variant type: single nucleotide variant.
Coding change: c.1531C>A on transcript NM_006073.4 (MANE Select); coding-DNA position 1531, C replaced by A.
Protein change: p.Pro511Thr; replaces proline 511 with threonine.
Molecular consequence: missense variant.
Genome position (GRCh38, 1-based): chr6:123,279,062, G>T on the plus strand (C>A on the coding strand, the complement: TRDN is on the minus strand). VCF-style: chr6-123279062-G-T. GRCh37 (hg19) VCF-style: chr6-123600207-G-T.
Other names: short protein forms P511T.
Identifiers: ClinVar variation 415178 (VCV000415178.27), dbSNP rs146935076, ClinGen allele CA3983890.
Genomic context (GRCh38, chr6:123,279,062, plus strand): 5'-ATGTATGTATGTACATATGTACGTGTTTGTTTATTGAGCATGCATATAACATACGTGGAG[G>T]TTTAGGCTTGACTTCTTTGCCTAGAAAAAAGTAAAAAAATTATTAAAGGCTGAGTCATAC-3'
Protein context (NP_006064.2, residues 501-521): SKAGKEVKPK[Pro511Thr]PQLQGKKEEK

ClinVar aggregate classification (germline): Benign/Likely benign. Review status: criteria provided, multiple submitters, no conflicts (2 of 4 stars). 8 submissions from 8 submitters: Benign (1); Likely benign (7). Last evaluated 2026-01-27.

Conditions:
Cardiovascular phenotype. Identifiers: MedGen CN230736.
Catecholaminergic polymorphic ventricular tachycardia 5 (CARDAR). Also called: Ventricular tachycardia, catecholaminergic polymorphic, 5, with or without muscle weakness; CARDIAC ARRHYTHMIA SYNDROME, WITH OR WITHOUT SKELETAL MUSCLE WEAKNESS. Identifiers: Orphanet 3286, MedGen C3809536, MONDO:0014191, OMIM 615441.
Catecholaminergic polymorphic ventricular tachycardia 1. Also called: VENTRICULAR TACHYCARDIA, STRESS-INDUCED POLYMORPHIC 1; RYR2-Related Catecholaminergic Polymorphic Ventricular Tachycardia; VENTRICULAR TACHYCARDIA, CATECHOLAMINERGIC POLYMORPHIC, 1, WITH OR WITHOUT ATRIAL DYSFUNCTION AND/OR DILATED CARDIOMYOPATHY. Identifiers: Orphanet 3286, MedGen C1631597, MONDO:0011484, OMIM 604772.

Allele frequency attached by ClinVar (database versions not stated): gnomAD exomes 0.00017 and 0.00048; ExAC 0.00057; 1000 Genomes Project 0.00120; 1000 Genomes Project 30x 0.00125; ESP Exome Variant Server 0.00153; gnomAD 0.00170 and 0.00183; TOPMed 0.00196.
gnomAD v4.1: 511 of 1,608,382 alleles (0.032%); highest among the groups gnomAD compares: African/African-American, 0.63%; 2 homozygotes.

Submissions (8):

Labcorp Genetics (formerly Invitae), Labcorp
Classification: Likely benign for Catecholaminergic polymorphic ventricular tachycardia 1. Last evaluated: 2026-01-27. Review status: criteria provided, single submitter. Criteria: Invitae Variant Classification Sherloc (09022015). Collection method: clinical testing. Allele origin: germline.

Women's Health and Genetics/Laboratory Corporation of America, LabCorp
Classification: Likely benign. Last evaluated: 2025-06-17. Review status: criteria provided, single submitter. Criteria: LabCorp Variant Classification Summary - May 2015. Collection method: clinical testing. Allele origin: germline.
Comment: Variant summary: TRDN c.1531C>A (p.Pro511Thr) results in a non-conservative amino acid change in the encoded protein sequence. Algorithms developed to predict the effect of missense changes on protein structure and function are either unavailable or do not agree on the potential impact of this missense change. The variant allele was found at a frequency of 0.00048 in 245812 control chromosomes, predominantly at a frequency of 0.0072 within the African or African-American subpopulation in the gnomAD database, including 1 homozygote. The observed variant frequency within African or African-American control individuals in the gnomAD database is approximately 4.55 fold of the estimated maximal expected allele frequency for a pathogenic variant in TRDN causing Catecholaminergic Polymorphic Ventricular Tachycardia phenotype (0.0016). To our knowledge, no occurrence of c.1531C>A in individuals affected with Catecholaminergic Polymorphic Ventricular Tachycardia and no experimental evidence demonstrating its impact on protein function have been reported. ClinVar contains an entry for this variant (Variation ID: 415178). Based on the evidence outlined above, the variant was classified as likely benign.

Molecular Diagnostic Laboratory for Inherited Cardiovascular Disease, Montreal Heart Institute
Classification: Likely benign. Last evaluated: 2025-04-09. Review status: criteria provided, single submitter. Criteria: ACMG Guidelines, 2015. Collection method: clinical testing. Allele origin: germline. Affected: no.

Mayo Clinic Laboratories, Mayo Clinic
Classification: Likely benign. Last evaluated: 2025-01-29. Review status: criteria provided, single submitter. Criteria: ACMG Guidelines, 2015. Collection method: clinical testing. Allele origin: germline. Observed: 1 variant allele.
Comment: BS1, BP4_moderate

ARUP Laboratories, Molecular Genetics and Genomics, ARUP Laboratories
Classification: Likely benign for Catecholaminergic polymorphic ventricular tachycardia 5. Last evaluated: 2024-07-30. Review status: criteria provided, single submitter. Criteria: ARUP Molecular Germline Variant Investigation Process 2024. Collection method: clinical testing. Allele origin: germline.

GeneDx
Classification: Likely benign. Last evaluated: 2020-10-06. Review status: criteria provided, single submitter. Criteria: GeneDx Variant Classification Process June 2021. Collection method: clinical testing. Allele origin: germline. Affected: yes.

Ambry Genetics
Classification: Likely benign for Cardiovascular phenotype. Last evaluated: 2018-10-03. Review status: criteria provided, single submitter. Criteria: Ambry Variant Classification Scheme 2023. Collection method: clinical testing. Allele origin: germline.

Laboratory for Molecular Medicine, Mass General Brigham Personalized Medicine
Classification: Benign. Last evaluated: 2018-03-14. Review status: criteria provided, single submitter. Criteria: LMM Criteria. Collection method: clinical testing. Allele origin: germline. Observed: 2 variant alleles.
Comment: p.Pro511Thr in exon 25 of TRDN: This variant is classified as benign because it has been identified in 0.7% (159/23872) of African chromosomes by the Genome Agg regation Database (gnomAD; dbSNP rs146935076). ACMG/AMP Criteria: BA1.